The following is an entry in ClinVar:

ClinVar aggregate classification (germline): Uncertain significance (1 of 4 stars; one submission).

Allele frequency attached by ClinVar (database versions not stated): gnomAD 0.00001; TOPMed 0.00001; gnomAD exomes 0.00002; ExAC 0.00003.
gnomAD v4.1: 24 of 1,608,474 alleles (0.0015%); highest among the groups gnomAD compares: East Asian, 0.011%; no homozygotes.

Submission:

GeneDx
Classification: Uncertain significance. Last evaluated: 2020-09-28. Review status: criteria provided, single submitter. Criteria: GeneDx Variant Classification Process June 2021. Collection method: clinical testing. Allele origin: germline. Affected: yes.
Comment: In silico analysis supports that this missense variant has a deleterious effect on protein structure/function; Has not been previously published as pathogenic or benign to our knowledge

NM_001042517.2(DIAPH3):c.1445G>A (p.Arg482Gln)

Gene: DIAPH3 (diaphanous related formin 3; minus strand). Cytogenetic location: 13q21.2.
Variant type: single nucleotide variant.
Coding change: c.1445G>A on transcript NM_001042517.2 (MANE Select); coding-DNA position 1445, G replaced by A.
Protein change: p.Arg482Gln; replaces arginine 482 with glutamine.
Molecular consequence: missense variant.
Genome position (GRCh38, 1-based): chr13:59,983,804, C>T on the plus strand (G>A on the coding strand, the complement: DIAPH3 is on the minus strand). VCF-style: chr13-59983804-C-T. GRCh37 (hg19) VCF-style: chr13-60557938-C-T.
Other names: c.656G>A, p.Arg219Gln (NM_030932.4, NM_001258370.2); c.1445G>A, p.Arg482Gln (NM_001258369.2); c.1235G>A, p.Arg412Gln (NM_001258368.2); c.1307G>A, p.Arg436Gln (NM_001258367.2); c.1412G>A, p.Arg471Gln (NM_001258366.2); short protein forms R219Q, R412Q, R436Q, R471Q, R482Q.
Identifiers: ClinVar variation 1188063 (VCV001188063.2), dbSNP rs762394580, ClinGen allele CA6996692.